The following is an entry in ClinVar:

NM_000363.5(TNNI3):c.557G>A (p.Arg186Gln)

Gene: TNNI3 (troponin I3, cardiac type; minus strand). Cytogenetic location: 19q13.42.
Variant type: single nucleotide variant.
Coding change: c.557G>A on transcript NM_000363.5 (MANE Select); coding-DNA position 557, G replaced by A.
Protein change: p.Arg186Gln; replaces arginine 186 with glutamine.
Molecular consequence: missense variant.
Genome position (GRCh38, 1-based): chr19:55,151,910, C>T on the plus strand (G>A on the coding strand, the complement: TNNI3 is on the minus strand). VCF-style: chr19-55151910-C-T. GRCh37 (hg19) VCF-style: chr19-55663278-C-T.
Other names: short protein forms R186Q.
Identifiers: ClinVar variation 43395 (VCV000043395.39), dbSNP rs397516357, ClinGen allele CA021907.

ClinVar aggregate classification (germline): Pathogenic/Likely pathogenic. Review status: criteria provided, multiple submitters, no conflicts (2 of 4 stars). 14 submissions from 14 submitters: Pathogenic (13); Likely pathogenic (1). Last evaluated 2026-08-12.

Conditions:
Cardiovascular phenotype. Identifiers: MedGen CN230736.
TNNI3-related disorder. Also called: TNNI3-related disorders; TNNI3-related condition.
Hypertrophic cardiomyopathy 7. Also called: TNNI3-Related Familial Hypertrophic Cardiomyopathy; Familial hypertrophic cardiomyopathy 7; CARDIOMYOPATHY, FAMILIAL HYPERTROPHIC, 7, MODIFIER OF. Identifiers: MedGen C1860752, MONDO:0013369, OMIM 613690.
Cardiomyopathy (CMYO). Also called: Cardiomyopathies. Identifiers: Orphanet 167848, MedGen C0878544, MONDO:0004994, HP:0001638. Inheritance: Various modes of inheritance.
Restrictive cardiomyopathy. Identifiers: Orphanet 217632, MedGen C0007196, MeSH D002313, MONDO:0005201, HP:0001723.
Hypertrophic cardiomyopathy. Also called: HYPERTROPHIC MYOCARDIOPATHY. Identifiers: Orphanet 217569, MedGen C0007194, MeSH D002312, MONDO:0005045, HP:0001639.

Allele frequency attached by ClinVar (database versions not stated): gnomAD 0.00001.

Submissions 1 to 9 of 14:

Ambry Genetics
Classification: Pathogenic for Cardiovascular phenotype. Last evaluated: 2026-08-12. Review status: criteria provided, single submitter. Criteria: Ambry Variant Classification Scheme 2023. Collection method: clinical testing. Allele origin: germline.
Comment: The c.557G>A (p.R186Q) alteration is located in exon 8 (coding exon 8) of the TNNI3 gene. This alteration results from a G to A substitution at nucleotide position 557, causing the arginine (R) at amino acid position 186 to be replaced by a glutamine (Q). for autosomal dominant TNNI3-related cardiomyopathy; however, its clinical significance for autosomal recessive TNNI3-related dilated cardiomyopathy is uncertain. This variant was not reported in population-based cohorts in the Genome Aggregation Database (gnomAD). This variant was reported in multiple individuals with features consistent with hypertrophic cardiomyopathy (HCM) (Richard, 2003; Millat, 2010; Roberts, 2013; Lopes, 2015). In addition, this alteration has been shown to segregate with disease across two families (Mogensen, 2004; Wang, 2016). This amino acid position is highly conserved in available vertebrate species. The in silico prediction for this alteration is inconclusive. Based on the available evidence, this alteration is classified as pathogenic.

Petrovsky National Research Centre of Surgery, The Federal Agency for Scientific Organizations
Classification: Likely pathogenic for Restrictive cardiomyopathy. Last evaluated: 2026-04-09. Review status: criteria provided, single submitter. Criteria: ACMG Guidelines, 2015. Collection method: clinical testing. Allele origin: germline. Affected: yes. Observed: 1 variant allele.
Comment: The variant is in The Genome Aggregation Database (gnomAD) v4.1.0 with total 1.239e-06. (Date of access 2026-04-09). In accordance with ACMG (2015) criteria this variant is classified as Likely pathogenic with following criteria selected: PM1,PS4, PM2.

Labcorp Genetics (formerly Invitae), Labcorp
Classification: Pathogenic for Hypertrophic cardiomyopathy. Last evaluated: 2026-01-14. Review status: criteria provided, single submitter. Criteria: Invitae Variant Classification Sherloc (09022015). Collection method: clinical testing. Allele origin: germline.
Comment: This sequence change replaces arginine, which is basic and polar, with glutamine, which is neutral and polar, at codon 186 of the TNNI3 protein (p.Arg186Gln). This variant is not present in population databases (gnomAD no frequency). This missense change has been observed in individuals with hypertrophic cardiomyopathy (PMID: 12707239, 15607392, 20624503, 21239446, 23540544, 25524337, 27532257). It has also been observed to segregate with disease in related individuals. ClinVar contains an entry for this variant (Variation ID: 43395). An algorithm developed to predict the effect of missense changes on protein structure and function (PolyPhen-2) suggests that this variant is likely to be disruptive. For these reasons, this variant has been classified as Pathogenic.

Molecular Diagnostic Laboratory for Inherited Cardiovascular Disease, Montreal Heart Institute
Classification: Pathogenic for Cardiovascular phenotype. Last evaluated: 2025-11-21. Review status: criteria provided, single submitter. Criteria: ACMG Guidelines, 2015. Collection method: clinical testing. Allele origin: germline. Affected: yes.
Comment: PS4, PP1_strong, PM1, PM2, PP2

3billion
Classification: Pathogenic for Hypertrophic cardiomyopathy 7. Last evaluated: 2024-03-07. Review status: criteria provided, single submitter. Criteria: ACMG Guidelines, 2015. Collection method: clinical testing. Allele origin: germline. Affected: yes.
Comment: The variant is not observed in the gnomAD v2.1.1 dataset. Predicted Consequence/Location: Missense variant In silico tool predictions suggest damaging effect of the variant on gene or gene product [REVEL: 0.47 (>=0.6, sensitivity 0.68 and specificity 0.92); 3Cnet: 0.97 (>=0.6, sensitivity 0.72 and precision 0.9)]. Same nucleotide change resulting in same amino acid change has been previously reported as pathogenic/likely pathogenic with strong evidence (ClinVar ID: VCV000043395 /PMID: 12707239 /3billion dataset). The variant has been reported to co-segregate with the disease in at least 7 similarly affected relatives/individuals in at least two unrelated families (PMID: 15607392, 26169204). Different missense changes at the same codon (p.Arg186Gly, p.Arg186Trp) have been reported to be associated with TNNI3 related disorder (ClinVar ID: VCV000546467 /PMID: 28567093). Therefore, this variant is classified as Pathogenic according to the recommendation of ACMG/AMP guideline.

Blueprint Genetics
Classification: Pathogenic for TNNI3-related disorders. Last evaluated: 2024-01-23. Review status: criteria provided, single submitter. Criteria: ACMG Guidelines, 2015. Collection method: clinical testing. Allele origin: germline. Affected: yes. Observed: 5 variant alleles.

GeneDx
Classification: Pathogenic. Last evaluated: 2024-01-02. Review status: criteria provided, single submitter. Criteria: GeneDx Variant Classification Process June 2021. Collection method: clinical testing. Allele origin: germline. Affected: yes.
Comment: Not observed at significant frequency in large population cohorts (gnomAD); In silico analysis supports that this missense variant does not alter protein structure/function; This variant is associated with the following publications: (PMID: 15607392, 22301726, 27532257, 21310275, 23540544, 19754353, 15524171, 20624503, 23782526, 26183555, 26199943, 28166811, 27681577, 16020591, 25524337, 12707239, 21239446, 26169204, 28567093, 31513939, 33673806, 33297573, 32746448, 35653365, 35626289, 36136372, 33906374, 36818426, Yuan2023[Article], 37730225, 25351510, Guo2023[article], 30150400, 35208637, 33567718, 36671572)

Illumina Laboratory Services, Illumina
Classification: Pathogenic for Hypertrophic cardiomyopathy 7. Last evaluated: 2023-07-11. Review status: criteria provided, single submitter. Criteria: ICSLVariantClassificationCriteria RUGD 01 April 2020. Collection method: clinical testing. Allele origin: unknown.
Comment: The TNNI3 c.557G>A (p.Arg186Gln) missense variant has been identified in at least ten individuals with a phenotype consistent with hypertrophic cardiomyopathy (PMID: 12707239; 22301726; 20624503; 27532257; 23540544; 21239446; 25524337; 33906374; 35653365). This variant has been shown to segregate with disease across multiple families (PMID: 15607392; 26169204). The p.Arg186Gln variant is located in a known hotspot region and is not observed at a significant frequency in version 2.1.1 or version 3.1.2 of the Genome Aggregation Database. This variant has been classified as pathogenic by at least three submitters in ClinVar. Based on the available evidence, the c.557G>A (p.Arg186Gln) variant is classified as pathogenic for hypertrophic cardiomyopathy.

CHEO Genetics Diagnostic Laboratory, Children's Hospital of Eastern Ontario
Classification: Pathogenic for Cardiomyopathy. Last evaluated: 2023-02-21. Review status: criteria provided, single submitter. Criteria: ACMG Guidelines, 2015. Collection method: clinical testing. Allele origin: germline. Study: Canadian Open Genetics Repository.